The following is an entry in ClinVar:

ClinVar aggregate classification (germline): Uncertain significance (1 of 4 stars; one submission).

Conditions:
Immunodeficiency 23 (IMD23). Also called: IMMUNODEFICIENCY WITH HYPER IgE AND COGNITIVE IMPAIRMENT; IMMUNODEFICIENCY-VASCULITIS-MYOCLONUS SYNDROME. Identifiers: Orphanet 443811, MedGen C4014371, MONDO:0014353, OMIM 615816.

Submission:

Labcorp Genetics (formerly Invitae), Labcorp
Classification: Uncertain significance for Immunodeficiency 23. Last evaluated: 2022-03-19. Review status: criteria provided, single submitter. Criteria: Invitae Variant Classification Sherloc (09022015). Collection method: clinical testing. Allele origin: germline.
Comment: This sequence change replaces threonine, which is neutral and polar, with serine, which is neutral and polar, at codon 379 of the PGM3 protein (p.Thr379Ser). This variant is not present in population databases (gnomAD no frequency). This variant has not been reported in the literature in individuals affected with PGM3-related conditions. Algorithms developed to predict the effect of missense changes on protein structure and function (SIFT, PolyPhen-2, Align-GVGD) all suggest that this variant is likely to be disruptive. In summary, the available evidence is currently insufficient to determine the role of this variant in disease. Therefore, it has been classified as a Variant of Uncertain Significance.

NM_015599.3(PGM3):c.1051A>T (p.Thr351Ser)

Gene: PGM3 (phosphoglucomutase 3; minus strand). Cytogenetic location: 6q14.1.
Variant type: single nucleotide variant.
Coding change: c.1051A>T on transcript NM_015599.3 (MANE Select); coding-DNA position 1051, A replaced by T.
Protein change: p.Thr351Ser; replaces threonine 351 with serine.
Molecular consequence: missense variant. On other transcripts: non-coding transcript variant (1).
Genome position (GRCh38, 1-based): chr6:83,176,039, T>A on the plus strand (A>T on the coding strand, the complement: PGM3 is on the minus strand). VCF-style: chr6-83176039-T-A. GRCh37 (hg19) VCF-style: chr6-83885758-T-A.
Other names: c.1135A>T, p.Thr379Ser (NM_001199917.2, NM_001367287.1); c.808A>T, p.Thr270Ser (NM_001199918.2); c.1051A>T, p.Thr351Ser (NM_001199919.2, NM_001367286.1); short protein forms T270S, T351S, T379S.
Identifiers: ClinVar variation 2038998 (VCV002038998.4), dbSNP rs2538081686, ClinGen allele CA364880667.